The following is an entry in ClinVar:

NM_033380.3(COL4A5):c.2363G>A (p.Arg788His)

Gene: COL4A5 (collagen type IV alpha 5 chain; plus strand). Cytogenetic location: Xq22.3.
Variant type: single nucleotide variant.
Coding change: c.2363G>A on transcript NM_033380.3 (MANE Select); coding-DNA position 2363, G replaced by A.
Protein change: p.Arg788His; replaces arginine 788 with histidine.
Molecular consequence: missense variant.
Genome position (GRCh38, 1-based): chrX:108,606,860, G>A. VCF-style: chrX-108606860-G-A. GRCh37 (hg19) VCF-style: chrX-107850090-G-A.
Other names: c.2363G>A (NM_000495.3); c.2363G>A, p.Arg788His (NM_000495.5); short protein forms R788H.
Identifiers: ClinVar variation 770022 (VCV000770022.10), dbSNP rs763882494, ClinGen allele CA10488899.

ClinVar aggregate classification (germline): Conflicting classifications of pathogenicity. Review status: criteria provided, conflicting classifications (1 of 4 stars). 3 submissions from 3 submitters: Uncertain significance (1); Benign (1); Likely benign (1). Last evaluated 2026-04-14.

Conditions:
COL4A5-related disorder. Also called: COL4A5-related condition.
Inborn genetic diseases. Identifiers: MedGen C0950123, MeSH D030342.

Allele frequency attached by ClinVar (database versions not stated): gnomAD 0.00004; ExAC 0.00008; TOPMed 0.00012.

Submissions (3):

PreventionGenetics, part of Exact Sciences
Classification: Uncertain significance for COL4A5-related condition. Last evaluated: 2026-04-14. Review status: criteria provided, single submitter. Criteria: ACMG Guidelines, 2015. Collection method: clinical testing. Allele origin: germline.
Comment: The COL4A5 c.2363G>A variant is predicted to result in the amino acid substitution p.Arg788His. To our knowledge, this variant has not been reported in the literature. This variant is reported in 0.071% of alleles in individuals of Latino descent in gnomAD. Although we suspect that this variant may be benign, at this time, the clinical significance of this variant is uncertain due to the absence of conclusive functional and genetic evidence.

Labcorp Genetics (formerly Invitae), Labcorp
Classification: Benign. Last evaluated: 2024-10-16. Review status: criteria provided, single submitter. Criteria: Invitae Variant Classification Sherloc (09022015). Collection method: clinical testing. Allele origin: germline.

Ambry Genetics
Classification: Likely benign for Inborn genetic diseases. Last evaluated: 2024-09-26. Review status: criteria provided, single submitter. Criteria: Ambry Variant Classification Scheme 2023. Collection method: clinical testing. Allele origin: germline.